The following is an entry in ClinVar:

NM_015164.4(PLEKHM2):c.2227C>T (p.Arg743Cys)

Gene: PLEKHM2 (pleckstrin homology and RUN domain containing M2; plus strand). Cytogenetic location: 1p36.21.
Variant type: single nucleotide variant.
Coding change: c.2227C>T on transcript NM_015164.4 (MANE Select); coding-DNA position 2227, C replaced by T.
Protein change: p.Arg743Cys; replaces arginine 743 with cysteine.
Molecular consequence: missense variant.
Genome position (GRCh38, 1-based): chr1:15,730,550, C>T. VCF-style: chr1-15730550-C-T. GRCh37 (hg19) VCF-style: chr1-16057045-C-T.
Other names: short protein forms R743C.
Identifiers: ClinVar variation 1056858 (VCV001056858.9), dbSNP rs769063819, ClinGen allele CA617192.
Genomic context (GRCh38, chr1:15,730,550, plus strand): 5'-AGGCCTTACTTGCTTTGTCCCCCGTGCCCGCCCCCGCATCAGGCATCTGCTGTCACCGTG[C>T]GCTTCTACGGCCTTGTGCACTGGGAGGACCCCACAGACGAGTCCCTGGGCCCCACGCCCT-3'
Protein context (NP_055979.2, residues 733-753): SKCEASAVTV[Arg743Cys]FYGLVHWEDP

ClinVar aggregate classification (germline): Uncertain significance (1 of 4 stars; one submission).

Allele frequency attached by ClinVar (database versions not stated): gnomAD 0.00001; gnomAD exomes 0.00004; ExAC 0.00012.
gnomAD v4.1: 45 of 1,590,764 alleles (0.0028%); highest among the groups gnomAD compares: Middle Eastern, 0.017%; no homozygotes.

Submission:

Labcorp Genetics (formerly Invitae), Labcorp
Classification: Uncertain significance. Last evaluated: 2025-08-05. Review status: criteria provided, single submitter. Criteria: Invitae Variant Classification Sherloc (09022015). Collection method: clinical testing. Allele origin: germline.
Comment: This sequence change replaces arginine, which is basic and polar, with cysteine, which is neutral and slightly polar, at codon 743 of the PLEKHM2 protein (p.Arg743Cys). The frequency data for this variant in the population databases is considered unreliable, as metrics indicate poor data quality at this position in the gnomAD database. This variant has not been reported in the literature in individuals affected with PLEKHM2-related conditions. ClinVar contains an entry for this variant (Variation ID: 1056858). An algorithm developed to predict the effect of missense changes on protein structure and function outputs the following: PolyPhen-2: "Benign". The cysteine amino acid residue is found in multiple mammalian species, which suggests that this missense change does not adversely affect protein function. In summary, the available evidence is currently insufficient to determine the role of this variant in disease. Therefore, it has been classified as a Variant of Uncertain Significance.